The following is an entry in ClinVar:

NM_006269.2(RP1):c.40C>G (p.Pro14Ala)

Gene: RP1 (RP1 axonemal microtubule associated; plus strand). Cytogenetic location: 8q12.1.
Variant type: single nucleotide variant.
Coding change: c.40C>G on transcript NM_006269.2 (MANE Select); coding-DNA position 40, C replaced by G.
Protein change: p.Pro14Ala; replaces proline 14 with alanine.
Molecular consequence: missense variant.
Genome position (GRCh38, 1-based): chr8:54,621,006, C>G. VCF-style: chr8-54621006-C-G. GRCh37 (hg19) VCF-style: chr8-55533566-C-G.
Other names: c.40C>G (NM_006269.1); c.40C>G, p.Pro14Ala (NM_001375654.1); short protein forms P14A.
Identifiers: ClinVar variation 1436527 (VCV001436527.9), dbSNP rs1342130209, ClinGen allele CA370985274.

ClinVar aggregate classification (germline): Uncertain significance. Review status: criteria provided, multiple submitters, no conflicts (2 of 4 stars). 2 submissions from 2 submitters: Uncertain significance (2). Last evaluated 2025-09-28.

Conditions:
Inborn genetic diseases. Identifiers: MedGen C0950123, MeSH D030342.

Allele frequency attached by ClinVar (database versions not stated): gnomAD 0.00002; gnomAD exomes 0.00002; TOPMed 0.00002.
gnomAD v4.1: 31 of 1,614,048 alleles (0.0019%); highest among the groups gnomAD compares: Non-Finnish European, 0.0025%; no homozygotes.

Submissions (2):

Ambry Genetics
Classification: Uncertain significance for Inborn genetic diseases. Last evaluated: 2025-09-28. Review status: criteria provided, single submitter. Criteria: Ambry Variant Classification Scheme 2023. Collection method: clinical testing. Allele origin: germline.

Labcorp Genetics (formerly Invitae), Labcorp
Classification: Uncertain significance. Last evaluated: 2024-11-05. Review status: criteria provided, single submitter. Criteria: Invitae Variant Classification Sherloc (09022015). Collection method: clinical testing. Allele origin: germline.
Comment: This sequence change replaces proline, which is neutral and non-polar, with alanine, which is neutral and non-polar, at codon 14 of the RP1 protein (p.Pro14Ala). This variant is present in population databases (no rsID available, gnomAD 0.007%). This variant has not been reported in the literature in individuals affected with RP1-related conditions. ClinVar contains an entry for this variant (Variation ID: 1436527). An algorithm developed to predict the effect of missense changes on protein structure and function outputs the following: PolyPhen-2: "Benign". The alanine amino acid residue is found in multiple mammalian species, which suggests that this missense change does not adversely affect protein function. In summary, the available evidence is currently insufficient to determine the role of this variant in disease. Therefore, it has been classified as a Variant of Uncertain Significance.